The following is an entry in ClinVar:

ClinVar aggregate classification (germline): Uncertain significance (1 of 4 stars; one submission).

Submission:

GeneDx
Classification: Uncertain significance. Last evaluated: 2024-12-27. Review status: criteria provided, single submitter. Criteria: GeneDx Variant Classification Process June 2021. Collection method: clinical testing. Allele origin: germline. Affected: yes.
Comment: Not observed at significant frequency in large population cohorts (gnomAD); In silico analysis supports that this missense variant has a deleterious effect on protein structure/function; This variant is associated with the following publications: (PMID: 28348114)

NM_000901.5(NR3C2):c.2545T>C (p.Cys849Arg)

Gene: NR3C2 (nuclear receptor subfamily 3 group C member 2; minus strand). Cytogenetic location: 4q31.23.
Variant type: single nucleotide variant.
Coding change: c.2545T>C on transcript NM_000901.5 (MANE Select); coding-DNA position 2545, T replaced by C.
Protein change: p.Cys849Arg; replaces cysteine 849 with arginine.
Molecular consequence: missense variant. On other transcripts: non-coding transcript variant (1).
Genome position (GRCh38, 1-based): chr4:148,120,254, A>G on the plus strand (T>C on the coding strand, the complement: NR3C2 is on the minus strand). VCF-style: chr4-148120254-A-G. GRCh37 (hg19) VCF-style: chr4-149041405-A-G.
Other names: c.2194T>C, p.Cys732Arg (NM_001166104.2, NM_001354819.1); short protein forms C732R, C849R.
Identifiers: ClinVar variation 3907793 (VCV003907793.1).